The following is an entry in ClinVar:

ClinVar aggregate classification (germline): Uncertain significance. Review status: criteria provided, multiple submitters, no conflicts (2 of 4 stars). 2 submissions from 2 submitters: Uncertain significance (2). Last evaluated 2025-08-20.

Conditions:
Inborn genetic diseases. Identifiers: MedGen C0950123, MeSH D030342.

gnomAD v4.1: 1 of 1,613,744 alleles (0.000062%); highest among the groups gnomAD compares: Non-Finnish European, 0.000085%; no homozygotes.

Submissions (2):

Ambry Genetics
Classification: Uncertain significance for Inborn genetic diseases. Last evaluated: 2025-08-20. Review status: criteria provided, single submitter. Criteria: Ambry Variant Classification Scheme 2023. Collection method: clinical testing. Allele origin: germline.
Comment: The p.L677M variant (also known as c.2029C>A), located in coding exon 1 of the SAMD9L gene, results from a C to A substitution at nucleotide position 2029. The leucine at codon 677 is replaced by methionine, an amino acid with highly similar properties. This amino acid position is conserved. In addition, this alteration is predicted to be tolerated by in silico analysis. Based on the available evidence, the clinical significance of this variant remains unclear.

GeneDx
Classification: Uncertain significance. Last evaluated: 2024-08-02. Review status: criteria provided, single submitter. Criteria: GeneDx Variant Classification Process June 2021. Collection method: clinical testing. Allele origin: germline. Affected: yes.
Comment: Not observed at significant frequency in large population cohorts (gnomAD); In silico analysis indicates that this missense variant does not alter protein structure/function; Has not been previously published as pathogenic or benign to our knowledge

NM_152703.5(SAMD9L):c.2029C>A (p.Leu677Met)

Gene: SAMD9L (sterile alpha motif domain containing 9 like; minus strand). Cytogenetic location: 7q21.2.
Variant type: single nucleotide variant.
Coding change: c.2029C>A on transcript NM_152703.5 (MANE Select); coding-DNA position 2029, C replaced by A.
Protein change: p.Leu677Met; replaces leucine 677 with methionine.
Molecular consequence: missense variant.
Genome position (GRCh38, 1-based): chr7:93,133,943, G>T on the plus strand (C>A on the coding strand, the complement: SAMD9L is on the minus strand). VCF-style: chr7-93133943-G-T. GRCh37 (hg19) VCF-style: chr7-92763256-G-T.
Other names: c.2029C>A (NM_152703.2); c.2029C>A, p.Leu677Met (NM_001303496.3, NM_001303497.3, NM_001303498.3 and 5 more transcripts); short protein forms L677M.
Identifiers: ClinVar variation 3602171 (VCV003602171.2).